The following is an entry in ClinVar:

ClinVar aggregate classification (germline): Uncertain significance (1 of 4 stars; one submission).

gnomAD v4.1: 4 of 1,614,144 alleles (0.00025%); highest among the groups gnomAD compares: South Asian, 0.0044%; no homozygotes.

Submission:

Ambry Genetics
Classification: Uncertain significance. Last evaluated: 2025-11-19. Review status: criteria provided, single submitter. Criteria: Ambry Variant Classification Scheme 2023. Collection method: clinical testing. Allele origin: germline.
Comment: The c.911G>T (p.R304M) alteration is located in exon 7 (coding exon 7) of the FAM166A gene. This alteration results from a G to T substitution at nucleotide position 911, causing the arginine (R) at amino acid position 304 to be replaced by a methionine (M). Based on data from gnomAD, the T allele has an overall frequency of <0.001% (1/251314) total alleles studied. The highest observed frequency was 0.003% (1/30616) of South Asian alleles. Based on insufficient or conflicting evidence, the clinical significance of this alteration remains unclear.

NM_001001710.3(CIMIP2A):c.911G>T (p.Arg304Met)

Gene: CIMIP2A (ciliary microtubule inner protein 2A; minus strand). Cytogenetic location: 9q34.3.
Variant type: single nucleotide variant.
Coding change: c.911G>T on transcript NM_001001710.3 (MANE Select); coding-DNA position 911, G replaced by T.
Protein change: p.Arg304Met; replaces arginine 304 with methionine.
Molecular consequence: missense variant.
Genome position (GRCh38, 1-based): chr9:137,243,743, C>A on the plus strand (G>T on the coding strand, the complement: CIMIP2A is on the minus strand). VCF-style: chr9-137243743-C-A. GRCh37 (hg19) VCF-style: chr9-140138195-C-A.
Other names: short protein forms R304M.
Identifiers: ClinVar variation 4653894 (VCV004653894.1).